The following is an entry in ClinVar:

NM_001903.5(CTNNA1):c.583C>A (p.Gln195Lys)

Gene: CTNNA1 (catenin alpha 1; plus strand). Cytogenetic location: 5q31.2.
Variant type: single nucleotide variant.
Coding change: c.583C>A on transcript NM_001903.5 (MANE Select); coding-DNA position 583, C replaced by A.
Protein change: p.Gln195Lys; replaces glutamine 195 with lysine.
Molecular consequence: missense variant.
Genome position (GRCh38, 1-based): chr5:138,812,297, C>A. VCF-style: chr5-138812297-C-A. GRCh37 (hg19) VCF-style: chr5-138147986-C-A.
Other names: c.583C>A (NM_001903.2); c.583C>A, p.Gln195Lys (NM_001290307.3, NM_001323982.2, NM_001323983.1 and 3 more transcripts); c.274C>A, p.Gln92Lys (NM_001290309.3); c.214C>A, p.Gln72Lys (NM_001290310.3); short protein forms Q195K, Q72K, Q92K.
Identifiers: ClinVar variation 651027 (VCV000651027.9), dbSNP rs1581119680, ClinGen allele CA361125691.

ClinVar aggregate classification (germline): Uncertain significance. Review status: criteria provided, multiple submitters, no conflicts (2 of 4 stars). 2 submissions from 2 submitters: Uncertain significance (2). Last evaluated 2023-09-26.

Conditions:
Hereditary cancer-predisposing syndrome. Also called: Neoplastic Syndromes, Hereditary; Tumor predisposition; Hereditary Cancer Syndrome; Hereditary neoplastic syndrome. Identifiers: Orphanet 140162, MedGen C0027672, MeSH D009386, MONDO:0015356.

Submissions (2):

Ambry Genetics
Classification: Uncertain significance for Hereditary cancer-predisposing syndrome. Last evaluated: 2023-09-26. Review status: criteria provided, single submitter. Criteria: Ambry Variant Classification Scheme 2023. Collection method: clinical testing. Allele origin: germline.
Comment: The p.Q195K variant (also known as c.583C>A), located in coding exon 4 of the CTNNA1 gene, results from a C to A substitution at nucleotide position 583. The glutamine at codon 195 is replaced by lysine, an amino acid with similar properties. This amino acid position is highly conserved in available vertebrate species. In addition, this alteration is predicted to be deleterious by in silico analysis. The evidence for this gene-disease relationship is limited; therefore, the clinical significance of this alteration is unclear.

Labcorp Genetics (formerly Invitae), Labcorp
Classification: Uncertain significance. Last evaluated: 2018-09-01. Review status: criteria provided, single submitter. Criteria: Invitae Variant Classification Sherloc (09022015). Collection method: clinical testing. Allele origin: germline.
Comment: This variant has not been reported in the literature in individuals with CTNNA1-related disease. Algorithms developed to predict the effect of missense changes on protein structure and function are either unavailable or do not agree on the potential impact of this missense change (SIFT: "Deleterious"; PolyPhen-2: "Probably Damaging"; Align-GVGD: "Class C0"). In summary, the available evidence is currently insufficient to determine the role of this variant in disease. Therefore, it has been classified as a Variant of Uncertain Significance. This variant is not present in population databases (ExAC no frequency). This sequence change replaces glutamine with lysine at codon 195 of the CTNNA1 protein (p.Gln195Lys). The glutamine residue is highly conserved and there is a small physicochemical difference between glutamine and lysine.